The following is an entry in ClinVar:

NC_000001.11:g.(?_94023386)_(94023418_?)del

Gene: ABCA4 (ATP binding cassette subfamily A member 4; minus strand). Cytogenetic location: 1p22.1.
Variant type: Deletion.
Identifiers: ClinVar variation 832551 (VCV000832551.7).

ClinVar aggregate classification (germline): Likely pathogenic (1 of 4 stars; one submission).

Submission:

Labcorp Genetics (formerly Invitae), Labcorp
Classification: Likely pathogenic. Last evaluated: 2020-06-24. Review status: criteria provided, single submitter. Criteria: Invitae Variant Classification Sherloc (09022015). Collection method: clinical testing. Allele origin: germline.
Comment: This variant is an in-frame deletion of the genomic region encompassing exon(s) 32 of the ABCA4 gene. It preserves the integrity of the reading frame. This variant has been observed in individual(s) with clinical features of inherited retinal dystrophy (Invitae). In at least one individual the data is consistent with the variant being in trans (on the opposite chromosome) from a pathogenic variant. Experimental studies and prediction algorithms are not available or were not evaluated, and the functional significance of this variant is currently unknown. In summary, the currently available evidence indicates that the variant is pathogenic, but additional data are needed to prove that conclusively. Therefore, this variant has been classified as Likely Pathogenic.